The following is an entry in ClinVar:

NM_020822.3(KCNT1):c.3583A>C (p.Ile1195Leu)

Gene: KCNT1 (potassium sodium-activated channel subfamily T member 1; plus strand). Cytogenetic location: 9q34.3.
Variant type: single nucleotide variant.
Coding change: c.3583A>C on transcript NM_020822.3 (MANE Select); coding-DNA position 3583, A replaced by C.
Protein change: p.Ile1195Leu; replaces isoleucine 1195 with leucine.
Molecular consequence: missense variant.
Genome position (GRCh38, 1-based): chr9:135,791,877, A>C. VCF-style: chr9-135791877-A-C. GRCh37 (hg19) VCF-style: chr9-138683723-A-C.
Other names: c.3511A>C, p.Ile1171Leu (NM_001272003.2); short protein forms I1171L, I1195L.
Identifiers: ClinVar variation 1732913 (VCV001732913.8), dbSNP rs1958223798, ClinGen allele CA375494087.
Genomic context (GRCh38, chr9:135,791,877, plus strand): 5'-AACACCCTCTCCTACGTCCTCATCAACCCTCCGCCCGACACGAGGCTGGAGCCCAGTGAC[A>C]TTGTGTGAGTAGCACCTGTGGGCTGTGTGGAGACCCCCCCTGAGCACCAGGTGGGCACTG-3'
Protein context (NP_065873.2, residues 1185-1205): PPDTRLEPSD[Ile1195Leu]VYLIRSDPLA

ClinVar aggregate classification (germline): Uncertain significance. Review status: criteria provided, multiple submitters, no conflicts (2 of 4 stars). 3 submissions from 3 submitters: Uncertain significance (3). Last evaluated 2025-06-27.

Conditions:
Inborn genetic diseases. Identifiers: MedGen C0950123, MeSH D030342.
Developmental and epileptic encephalopathy, 14 (DEE14). Also called: Early infantile epileptic encephalopathy 14. Identifiers: Orphanet 293181, MedGen C3554195, MONDO:0013989, OMIM 614959.
Autosomal dominant nocturnal frontal lobe epilepsy 5. Also called: KCNT1-Related Epilepsy; Epilepsy, nocturnal frontal lobe, 5; CILIARY DYSKINESIA, PRIMARY, 28, WITHOUT SITUS INVERSUS; CILIARY DYSKINESIA, PRIMARY, 28, WITH SITUS INVERSUS. Identifiers: Orphanet 98784, MedGen C3554306, MONDO:0014002, OMIM 615005.

Allele frequency attached by ClinVar (database versions not stated): TOPMed below 0.00001.
gnomAD v4.1: 2 of 1,613,658 alleles (0.00012%); highest among the groups gnomAD compares: Non-Finnish European, 0.00017%; no homozygotes.

Submissions (3):

Labcorp Genetics (formerly Invitae), Labcorp
Classification: Uncertain significance for Autosomal dominant nocturnal frontal lobe epilepsy 5; Developmental and epileptic encephalopathy, 14. Last evaluated: 2025-06-27. Review status: criteria provided, single submitter. Criteria: Invitae Variant Classification Sherloc (09022015). Collection method: clinical testing. Allele origin: germline.
Comment: This sequence change replaces isoleucine, which is neutral and non-polar, with leucine, which is neutral and non-polar, at codon 1195 of the KCNT1 protein (p.Ile1195Leu). This variant is not present in population databases (gnomAD no frequency). This variant has not been reported in the literature in individuals affected with KCNT1-related conditions. ClinVar contains an entry for this variant (Variation ID: 1732913). Invitae Evidence Modeling of protein sequence and biophysical properties (such as structural, functional, and spatial information, amino acid conservation, physicochemical variation, residue mobility, and thermodynamic stability) indicates that this missense variant is not expected to disrupt KCNT1 protein function with a negative predictive value of 80%. In summary, the available evidence is currently insufficient to determine the role of this variant in disease. Therefore, it has been classified as a Variant of Uncertain Significance.

GeneDx
Classification: Uncertain significance. Last evaluated: 2023-01-27. Review status: criteria provided, single submitter. Criteria: GeneDx Variant Classification Process June 2021. Collection method: clinical testing. Allele origin: germline. Affected: yes.
Comment: Not observed at significant frequency in large population cohorts (gnomAD); In silico analysis supports that this missense variant does not alter protein structure/function; Has not been previously published as pathogenic or benign to our knowledge

Ambry Genetics
Classification: Uncertain significance for Inborn genetic diseases. Last evaluated: 2018-10-12. Review status: criteria provided, single submitter. Criteria: Ambry Variant Classification Scheme 2023. Collection method: clinical testing. Allele origin: germline.
Comment: The p.I1195L variant (also known as c.3583A>C), located in coding exon 30 of the KCNT1 gene, results from an A to C substitution at nucleotide position 3583. The isoleucine at codon 1195 is replaced by leucine, an amino acid with highly similar properties. This amino acid position is highly conserved in available vertebrate species. In addition, this alteration is predicted to be tolerated by in silico analysis. Since supporting evidence is limited at this time, the clinical significance of this alteration remains unclear.